The following is an entry in ClinVar:

NM_172250.3(MMAA):c.102C>T (p.Leu34=)

Gene: MMAA (metabolism of cobalamin associated A; plus strand). Cytogenetic location: 4q31.21.
Variant type: single nucleotide variant.
Coding change: c.102C>T on transcript NM_172250.3 (MANE Select); coding-DNA position 102, C replaced by T.
Protein change: p.Leu34=; no amino-acid change (leucine 34 retained).
Molecular consequence: synonymous variant.
Genome position (GRCh38, 1-based): chr4:145,639,241, C>T. VCF-style: chr4-145639241-C-T. GRCh37 (hg19) VCF-style: chr4-146560393-C-T.
Other names: c.102C>T, p.Leu34= (NM_001375644.1).
Identifiers: ClinVar variation 704775 (VCV000704775.40), dbSNP rs146372922, ClinGen allele CA3095122.

ClinVar aggregate classification (germline): Conflicting classifications of pathogenicity. Review status: criteria provided, conflicting classifications (1 of 4 stars). 4 submissions from 4 submitters: Uncertain significance (1); Benign (1); Likely benign (1). 1 of the submissions does not count toward it. Last evaluated 2026-02-04.

Conditions:
Methylmalonic aciduria, cblA type (MACA). Also called: Methylmalonic aciduria, vitamin b12-responsive, due to defect in synthesis of adenosylcobalamin, cbla complementation type; MMA cbl A type; Methylmalonic acidemia cblA type; Methylmalonic aciduria, vitamin B12-responsive; Vitamin B12-responsive methylmalonic acidemia type cblA. Identifiers: Orphanet 28, Orphanet 79310, MedGen C1855109, MONDO:0009613, OMIM 251100.

Allele frequency attached by ClinVar (database versions not stated): gnomAD exomes 0.00017 and 0.00036; ExAC 0.00044; gnomAD 0.00131 and 0.00135; ESP Exome Variant Server 0.00138; TOPMed 0.00140; 1000 Genomes Project 0.00180; 1000 Genomes Project 30x 0.00187.
gnomAD v4.1: 461 of 1,614,172 alleles (0.029%); highest among the groups gnomAD compares: African/African-American, 0.41%; 1 homozygote.

Submissions (4):

Labcorp Genetics (formerly Invitae), Labcorp
Classification: Benign for Methylmalonic aciduria, cblA type. Last evaluated: 2026-02-04. Review status: criteria provided, single submitter. Criteria: Invitae Variant Classification Sherloc (09022015). Collection method: clinical testing. Allele origin: germline.

CeGaT Center for Human Genetics Tuebingen
Classification: Likely benign. Last evaluated: 2023-07-01. Review status: criteria provided, single submitter. Criteria: CeGaT Center For Human Genetics Tuebingen Variant Classification Criteria Version 2. Collection method: clinical testing. Allele origin: germline. Affected: yes. Observed: 1 variant allele.
Comment: MMAA: BP4, BP7

Illumina Laboratory Services, Illumina
Classification: Uncertain significance for Methylmalonic aciduria, cblA type. Last evaluated: 2018-01-12. Review status: criteria provided, single submitter. Criteria: ICSL Variant Classification Criteria 13 December 2019. Collection method: clinical testing. Allele origin: germline.

Natera, Inc.
Classification: Benign for Methylmalonic aciduria cblA type. Last evaluated: 2020-09-16. Review status: no assertion criteria provided. Collection method: clinical testing. Allele origin: germline. Not counted in ClinVar's aggregate classification.